The following is an entry in ClinVar:

NM_001035.3(RYR2):c.7038A>C (p.Ala2346=)

Gene: RYR2 (ryanodine receptor 2; plus strand). Cytogenetic location: 1q43.
Variant type: single nucleotide variant.
Coding change: c.7038A>C on transcript NM_001035.3 (MANE Select); coding-DNA position 7038, A replaced by C.
Protein change: p.Ala2346=; no amino-acid change (alanine 2346 retained).
Molecular consequence: synonymous variant.
Genome position (GRCh38, 1-based): chr1:237,639,124, A>C. VCF-style: chr1-237639124-A-C. GRCh37 (hg19) VCF-style: chr1-237802424-A-C.
Other names: p.A2346A:GCA>GCC.
Identifiers: ClinVar variation 43821 (VCV000043821.69), dbSNP rs116601686, ClinGen allele CA010489.

ClinVar aggregate classification (germline): Benign/Likely benign. Review status: criteria provided, multiple submitters, no conflicts (2 of 4 stars). 17 submissions from 16 submitters: Benign (10); Likely benign (4). 3 of the submissions do not count toward it. Last evaluated 2026-06-01.

Conditions:
RYR2-related disorder. Also called: RYR2-related condition.
Cardiomyopathy (CMYO). Also called: Cardiomyopathies. Identifiers: Orphanet 167848, MedGen C0878544, MONDO:0004994, HP:0001638. Inheritance: Various modes of inheritance.
Catecholaminergic polymorphic ventricular tachycardia 1. Also called: VENTRICULAR TACHYCARDIA, STRESS-INDUCED POLYMORPHIC 1; RYR2-Related Catecholaminergic Polymorphic Ventricular Tachycardia; VENTRICULAR TACHYCARDIA, CATECHOLAMINERGIC POLYMORPHIC, 1, WITH OR WITHOUT ATRIAL DYSFUNCTION AND/OR DILATED CARDIOMYOPATHY. Identifiers: Orphanet 3286, MedGen C1631597, MONDO:0011484, OMIM 604772.
Arrhythmogenic right ventricular dysplasia 2. Identifiers: MedGen C1832931.
Catecholaminergic polymorphic ventricular tachycardia (CVPT). Also called: Catecholamine-induced polymorphic ventricular tachycardia. Identifiers: Orphanet 3286, MedGen C5574922, MONDO:0017990.

Allele frequency attached by ClinVar (database versions not stated): gnomAD exomes 0.00037 and 0.00103; ExAC 0.00134; gnomAD 0.00375 and 0.00399; ESP Exome Variant Server 0.00389; TOPMed 0.00410; 1000 Genomes Project 30x 0.00453; 1000 Genomes Project 0.00479.
gnomAD v4.1: 1,138 of 1,613,904 alleles (0.071%); highest among the groups gnomAD compares: African/African-American, 1.4%; 9 homozygotes.

Submissions (17):

CeGaT Center for Human Genetics Tuebingen
Classification: Likely benign. Last evaluated: 2026-06-01. Review status: criteria provided, single submitter. Criteria: CeGaT Center For Human Genetics Tuebingen Variant Classification Criteria Version 2. Collection method: clinical testing. Allele origin: germline. Affected: yes. Observed: 3 variant alleles.
Comment: RYR2: BP4, BP7, BS1

Labcorp Genetics (formerly Invitae), Labcorp
Classification: Benign for Catecholaminergic polymorphic ventricular tachycardia 1. Last evaluated: 2026-02-03. Review status: criteria provided, single submitter. Criteria: Invitae Variant Classification Sherloc (09022015). Collection method: clinical testing. Allele origin: germline.

ARUP Laboratories, Molecular Genetics and Genomics, ARUP Laboratories
Classification: Benign. Last evaluated: 2025-04-08. Review status: criteria provided, single submitter. Criteria: ARUP Molecular Germline Variant Investigation Process 2024. Collection method: clinical testing. Allele origin: germline.

All of Us Research Program, National Institutes of Health
Classification: Benign for Catecholaminergic polymorphic ventricular tachycardia. Last evaluated: 2024-09-27. Review status: criteria provided, single submitter. Criteria: ACMG Guidelines, 2015. Collection method: clinical testing. Allele origin: germline. Inheritance: Autosomal dominant inheritance. Observed: 318 variant alleles, 317 heterozygotes, 1 homozygote.
Comment: This study involves interpretation of variants in research participants for the purpose of population health screening. Participant phenotype was not available at the time of variant classification. Additional details can be found in publication PMID: 35346344, PMCID: PMC8962531

Blueprint Genetics
Classification: Likely benign. Last evaluated: 2024-09-02. Review status: criteria provided, single submitter. Criteria: ACMG Guidelines, 2015. Collection method: clinical testing. Allele origin: germline.

Color Diagnostics, LLC DBA Color Health
Classification: Benign for Cardiomyopathy. Last evaluated: 2024-03-06. Review status: criteria provided, single submitter. Criteria: ACMG Guidelines, 2015. Collection method: clinical testing. Allele origin: germline.

Molecular Diagnostic Laboratory for Inherited Cardiovascular Disease, Montreal Heart Institute
Classification: Benign. Last evaluated: 2020-05-28. Review status: criteria provided, single submitter. Criteria: ACMG Guidelines, 2015. Collection method: clinical testing. Allele origin: germline. Affected: yes.

Illumina Laboratory Services, Illumina
Classification: Likely benign for Catecholaminergic polymorphic ventricular tachycardia 1. Last evaluated: 2018-01-12. Review status: criteria provided, single submitter. Criteria: ICSL Variant Classification Criteria 13 December 2019. Collection method: clinical testing. Allele origin: germline.
Comment: This variant was observed in the ICSL laboratory as part of a predisposition screen in an ostensibly healthy population. It had not been previously curated by ICSL or reported in the Human Gene Mutation Database (HGMD: prior to June 1st, 2018), and was therefore a candidate for classification through an automated scoring system. Utilizing variant allele frequency, disease prevalence and penetrance estimates, and inheritance mode, an automated score was calculated to assess if this variant is too frequent to cause the disease. Based on the score and internal cut-off values, a variant classified as likely benign is not then subjected to further curation. The score for this variant resulted in a classification of likely benign for this disease.

Illumina Laboratory Services, Illumina
Classification: Benign for Catecholaminergic polymorphic ventricular tachycardia 1. Last evaluated: 2018-01-12. Review status: criteria provided, single submitter. Criteria: ICSL Variant Classification Criteria 13 December 2019. Collection method: clinical testing. Allele origin: germline.
Comment: This variant was observed in the ICSL laboratory as part of a predisposition screen in an ostensibly healthy population. It had not been previously curated by ICSL or reported in the Human Gene Mutation Database (HGMD: prior to June 1st, 2018), and was therefore a candidate for classification through an automated scoring system. Utilizing variant allele frequency, disease prevalence and penetrance estimates, and inheritance mode, an automated score was calculated to assess if this variant is too frequent to cause the disease. Based on the score and internal cut-off values, a variant classified as benign is not then subjected to further curation. The score for this variant resulted in a classification of benign for this disease.

Women's Health and Genetics/Laboratory Corporation of America, LabCorp
Classification: Benign. Last evaluated: 2016-01-13. Review status: criteria provided, single submitter. Criteria: LabCorp Variant Classification Summary - May 2015. Collection method: clinical testing. Allele origin: germline.

GeneDx
Classification: Benign. Last evaluated: 2014-04-21. Review status: criteria provided, single submitter. Criteria: GeneDx Variant Classification (06012015). Collection method: clinical testing. Allele origin: germline. Affected: yes.
Comment: This variant is considered likely benign or benign based on one or more of the following criteria: it is a conservative change, it occurs at a poorly conserved position in the protein, it is predicted to be benign by multiple in silico algorithms, and/or has population frequency not consistent with disease.

Eurofins Ntd Llc (ga)
Classification: Benign. Last evaluated: 2014-01-07. Review status: criteria provided, single submitter. Criteria: EGL Classification Definitions 2015. Collection method: clinical testing. Allele origin: germline. Observed: 1 variant allele, 1 heterozygote.

Laboratory for Molecular Medicine, Mass General Brigham Personalized Medicine
Classification: Benign. Last evaluated: 2012-01-24. Review status: criteria provided, single submitter. Criteria: LMM Criteria. Collection method: clinical testing. Allele origin: germline. Observed: 6 variant alleles.
Comment: Classified as benign based on high population frequency (MAF=0.01 and # minor al leles=33)

Breakthrough Genomics
Classification: Likely benign. Review status: criteria provided, single submitter. Criteria: ACMG Guidelines, 2015. Collection method: not provided. Allele origin: germline. Inheritance: Autosomal dominant inheritance. Affected: yes.

PreventionGenetics, part of Exact Sciences
Classification: Benign for RYR2-related condition. Last evaluated: 2019-04-18. Review status: no assertion criteria provided. Collection method: clinical testing. Allele origin: germline. Not counted in ClinVar's aggregate classification.
Comment: This variant is classified as benign based on ACMG/AMP sequence variant interpretation guidelines (Richards et al. 2015 PMID: 25741868, with internal and published modifications).

Clinical Genetics, Academic Medical Center
Classification: Benign. Review status: no assertion criteria provided. Collection method: clinical testing. Allele origin: germline. Affected: yes. Study: VKGL Data-share Consensus. Not counted in ClinVar's aggregate classification.

Genome Diagnostics Laboratory, University Medical Center Utrecht
Classification: Benign. Review status: no assertion criteria provided. Collection method: clinical testing. Allele origin: germline. Affected: yes. Study: VKGL Data-share Consensus. Not counted in ClinVar's aggregate classification.